The following is an entry in ClinVar:

NM_001754.5(RUNX1):c.232A>T (p.Met78Leu)

Gene: RUNX1 (RUNX family transcription factor 1; minus strand). Cytogenetic location: 21q22.12.
Variant type: single nucleotide variant.
Coding change: c.232A>T on transcript NM_001754.5 (MANE Select); coding-DNA position 232, A replaced by T.
Protein change: p.Met78Leu; replaces methionine 78 with leucine.
Molecular consequence: missense variant.
Genome position (GRCh38, 1-based): chr21:34,886,962, T>A on the plus strand (A>T on the coding strand, the complement: RUNX1 is on the minus strand). VCF-style: chr21-34886962-T-A. GRCh37 (hg19) VCF-style: chr21-36259259-T-A.
Other names: NM_001754.5(RUNX1):c.232A>T; p.Met78Leu; c.151A>T, p.Met51Leu (NM_001001890.3, NM_001122607.2); short protein forms M78L, M51L.
Identifiers: ClinVar variation 239046 (VCV000239046.10), dbSNP rs878854467, ClinGen allele CA10583885.

ClinVar aggregate classification (germline): Uncertain significance. Review status: reviewed by expert panel (3 of 4 stars). 3 submissions from 3 submitters: Uncertain significance (1). 2 of the submissions do not count toward it. Last evaluated 2024-07-11.

Conditions:
Inborn genetic diseases. Identifiers: MedGen C0950123, MeSH D030342.
Hereditary thrombocytopenia and hematological cancer predisposition syndrome associated with RUNX1. Also called: Familial Platelet Disorder with Propensity to Acute Myelogenous Leukemia; Familial thrombocytopenia with propensity to acute myelogenous leukemia; PLATELET DISORDER, ASPIRIN-LIKE; RUNX1 Familial Platelet Disorder with Associated Myeloid Malignancies. Identifiers: Orphanet 71290, MedGen C1832388, MeSH C563324, MONDO:0100083, OMIM 601399.
Hereditary thrombocytopenia and hematologic cancer predisposition syndrome. Identifiers: Orphanet 71290, MedGen CN281654, MONDO:0011071.

Submissions (3):

ClinGen Myeloid Malignancy Variant Curation Expert Panel
Classification: Uncertain significance for Hereditary thrombocytopenia and hematologic cancer predisposition syndrome. Last evaluated: 2024-07-11. Review status: reviewed by expert panel. Criteria: ClinGen MyeloMalig ACMG Specifications v2. Collection method: curation. Allele origin: germline. Inheritance: Autosomal dominant inheritance.
Comment: NM_001754.5(RUNX1):c.232A>T (p.Met78Leu) is a missense variant which is completely absent from all population databases with at least 20x coverage for RUNX1 (PM2_Supporting). In summary, the clinical significance of this variant is uncertain. ACMG/AMP criteria applied, as specified by the Myeloid Malignancy Variant Curation Expert Panel for RUNX1: PM2_supporting.

Ambry Genetics
Classification: Uncertain significance for Inborn genetic diseases. Last evaluated: 2025-07-20. Review status: criteria provided, single submitter. Criteria: Ambry Variant Classification Scheme 2023. Collection method: clinical testing. Allele origin: germline. Not counted in ClinVar's aggregate classification.
Comment: The p.M78L variant (also known as c.232A>T), located in coding exon 3 of the RUNX1 gene, results from an A to T substitution at nucleotide position 232. The methionine at codon 78 is replaced by leucine, an amino acid with highly similar properties. This amino acid position is conserved. In addition, this alteration is predicted to be deleterious by in silico analysis. Based on the available evidence, the clinical significance of this variant remains unclear.

Labcorp Genetics (formerly Invitae), Labcorp
Classification: Uncertain significance for Hereditary thrombocytopenia and hematological cancer predisposition syndrome associated with RUNX1. Last evaluated: 2020-02-17. Review status: criteria provided, single submitter. Criteria: Invitae Variant Classification Sherloc (09022015). Collection method: clinical testing. Allele origin: germline. Not counted in ClinVar's aggregate classification.
Comment: This sequence change replaces methionine with leucine at codon 78 of the RUNX1 protein (p.Met78Leu). The methionine residue is moderately conserved and there is a small physicochemical difference between methionine and leucine. This variant is not present in population databases (ExAC no frequency). This variant has not been reported in the literature in individuals with RUNX1-related conditions. ClinVar contains an entry for this variant (Variation ID: 239046). Algorithms developed to predict the effect of missense changes on protein structure and function are either unavailable or do not agree on the potential impact of this missense change (SIFT: "Tolerated"; PolyPhen-2: "Probably Damaging"; Align-GVGD: "Class C0"). In summary, the available evidence is currently insufficient to determine the role of this variant in disease. Therefore, it has been classified as a Variant of Uncertain Significance.